The following is an entry in ClinVar:

ClinVar aggregate classification (germline): Uncertain significance (1 of 4 stars; one submission).

Allele frequency attached by ClinVar (database versions not stated): gnomAD 0.00001; TOPMed 0.00001.
gnomAD v4.1: 1 of 1,552,822 alleles (0.000064%); highest among the groups gnomAD compares: Non-Finnish European, 0.000087%; no homozygotes.

Submission:

Labcorp Genetics (formerly Invitae), Labcorp
Classification: Uncertain significance. Last evaluated: 2022-04-28. Review status: criteria provided, single submitter. Criteria: Invitae Variant Classification Sherloc (09022015). Collection method: clinical testing. Allele origin: germline.
Comment: In summary, the available evidence is currently insufficient to determine the role of this variant in disease. Therefore, it has been classified as a Variant of Uncertain Significance. Variants that disrupt the consensus splice site are a relatively common cause of aberrant splicing (PMID: 17576681, 9536098). Algorithms developed to predict the effect of sequence changes on RNA splicing suggest that this variant is not likely to affect RNA splicing. This variant has not been reported in the literature in individuals affected with MPDZ-related conditions. This variant is not present in population databases (gnomAD no frequency). This sequence change falls in intron 34 of the MPDZ gene. It does not directly change the encoded amino acid sequence of the MPDZ protein. It affects a nucleotide within the consensus splice site.

Literature cited by the submitters: PubMed 17576681; PubMed 9536098.

NM_001378778.1(MPDZ):c.4632+4A>G

Gene: MPDZ (multiple PDZ domain crumbs cell polarity complex component; minus strand). Cytogenetic location: 9p23.
Variant type: single nucleotide variant.
Coding change: c.4632+4A>G on transcript NM_001378778.1 (MANE Select); 4 bases into the intron after coding-DNA position 4632, A replaced by G.
Molecular consequence: intron variant.
Genome position (GRCh38, 1-based): chr9:13,126,512, T>C on the plus strand (A>G on the coding strand, the complement: MPDZ is on the minus strand). VCF-style: chr9-13126512-T-C. GRCh37 (hg19) VCF-style: chr9-13126511-T-C.
Other names: c.4422+4A>G (NM_001375425.1, NM_001375420.1, NM_001375423.1 and 4 more transcripts); c.4533+4A>G (NM_001375419.1, NM_001375416.1, NM_001375418.1 and 3 more transcripts); c.4632+4A>G (NM_001330637.2, NM_003829.5); c.4224+4A>G (NM_001375427.1); c.4731+4A>G (NM_001375413.1).
Identifiers: ClinVar variation 1934415 (VCV001934415.5), dbSNP rs1327156117, ClinGen allele CA860511850.